The following is an entry in ClinVar:

NM_000038.6(APC):c.645+9C>T

Gene: APC (APC regulator of Wnt signaling pathway; plus strand). Cytogenetic location: 5q22.2.
Variant type: single nucleotide variant.
Coding change: c.645+9C>T on transcript NM_000038.6 (MANE Select); 9 bases into the intron after coding-DNA position 645, C replaced by T.
Molecular consequence: intron variant.
Genome position (GRCh38, 1-based): chr5:112,780,912, C>T. VCF-style: chr5-112780912-C-T. GRCh37 (hg19) VCF-style: chr5-112116609-C-T.
Other names: c.-391+9C>T (NM_001407470.1, NM_001407472.1, NM_001354906.2 and 1 more transcripts); c.645+9C>T (NM_001407447.1, NM_001354895.2, NM_001407456.1 and 16 more transcripts); c.675+9C>T (NM_001407446.1, NM_001354897.2, NM_001354902.2 and 1 more transcripts); c.468+9C>T (NM_001407453.1, NM_001354900.2, NM_001354901.2 and 1 more transcripts); c.570+9C>T (NM_001407451.1, NM_001354898.2, NM_001354904.2).
Identifiers: ClinVar variation 3148764 (VCV003148764.1), dbSNP rs863224286, ClinGen allele CA2674865253.
Genomic context (GRCh38, chr5:112,780,912, plus strand): 5'-TGCGATGGAAGAACAACTAGGTACCTGCCAGGATATGGAAAAACGAGCACAGGTAAGTTA[C>T]TTGTTTCTAAGTGATAAAACAGCGAAGAGCTATTAGGAATAAAATGAATTACAGCTCTGT-3'

ClinVar aggregate classification (germline): Likely benign (1 of 4 stars; one submission).

Conditions:
Familial adenomatous polyposis 1 (FAP1). Also called: POLYPOSIS, ADENOMATOUS INTESTINAL; FAMILIAL ADENOMATOUS POLYPOSIS 1, ATTENUATED. Identifiers: MedGen C2713442, MONDO:0021056, OMIM 175100. Disease mechanism: loss of function.

Submission:

Myriad Genetics, Inc.
Classification: Likely benign for Familial adenomatous polyposis 1. Last evaluated: 2024-02-26. Review status: criteria provided, single submitter. Criteria: Myriad Autosomal Dominant, Autosomal Recessive and X-Linked Classification Criteria (2023). Collection method: clinical testing. Allele origin: unknown.
Comment: This variant is considered likely benign. This variant is intronic and is not expected to impact mRNA splicing.